The following is an entry in ClinVar:

ClinVar aggregate classification (germline): Uncertain significance (1 of 4 stars; one submission).

Conditions:
Familial adenomatous polyposis 1 (FAP1). Also called: POLYPOSIS, ADENOMATOUS INTESTINAL; FAMILIAL ADENOMATOUS POLYPOSIS 1, ATTENUATED. Identifiers: MedGen C2713442, MONDO:0021056, OMIM 175100. Disease mechanism: loss of function.

Allele frequency attached by ClinVar (database versions not stated): gnomAD exomes below 0.00001; ExAC 0.00001.
gnomAD v4.1: 1 of 1,613,568 alleles (0.000062%); highest among the groups gnomAD compares: African/African-American, 0.0013%; no homozygotes.

Submission:

Labcorp Genetics (formerly Invitae), Labcorp
Classification: Uncertain significance for Familial adenomatous polyposis 1. Last evaluated: 2021-10-18. Review status: criteria provided, single submitter. Criteria: Invitae Variant Classification Sherloc (09022015). Collection method: clinical testing. Allele origin: germline.
Comment: This sequence change replaces serine with tyrosine at codon 42 of the APC protein (p.Ser42Tyr). The serine residue is highly conserved and there is a large physicochemical difference between serine and tyrosine. This variant is present in population databases (rs781207121, ExAC 0.01%). This variant has not been reported in the literature in individuals affected with APC-related conditions. Algorithms developed to predict the effect of missense changes on protein structure and function are either unavailable or do not agree on the potential impact of this missense change (SIFT: "Deleterious"; PolyPhen-2: "Possibly Damaging"; Align-GVGD: "Class C0"). In summary, the available evidence is currently insufficient to determine the role of this variant in disease. Therefore, it has been classified as a Variant of Uncertain Significance.

NM_000038.6(APC):c.125C>A (p.Ser42Tyr)

Gene: APC (APC regulator of Wnt signaling pathway; plus strand). Cytogenetic location: 5q22.2.
Variant type: single nucleotide variant.
Coding change: c.125C>A on transcript NM_000038.6 (MANE Select); coding-DNA position 125, C replaced by A.
Protein change: p.Ser42Tyr; replaces serine 42 with tyrosine.
Molecular consequence: missense variant. On other transcripts: 5 prime UTR variant (1), intron variant (8).
Genome position (GRCh38, 1-based): chr5:112,755,015, C>A. VCF-style: chr5-112755015-C-A. GRCh37 (hg19) VCF-style: chr5-112090712-C-A.
Other names: c.125C>A, p.Ser42Tyr (NM_001127510.3, NM_001354895.2, NM_001354896.2 and 2 more transcripts); c.-911C>A (NM_001354906.2); c.166-11311C>A (NM_001354897.2, NM_001354902.2, NM_001127511.3); c.61-11311C>A (NM_001354898.2, NM_001354904.2); c.-42-11311C>A (NM_001354900.2, NM_001354901.2, NM_001354905.2); short protein forms S42Y.
Identifiers: ClinVar variation 1018711 (VCV001018711.8), dbSNP rs781207121, ClinGen allele CA026928.